The following is an entry in ClinVar:

ClinVar aggregate classification (germline): Pathogenic (1 of 4 stars; one submission).

Conditions:
Mucopolysaccharidosis, MPS-III-D (MPS3D). Also called: Mucopoly-saccharidosis type 3D; N-acetylglucosamine-6-sulfate sulfatase deficiency; MPS 3D; MPS IIID (Sanfilippo Syndrome Type D); MUCOPOLYSACCHARIDOSIS, TYPE IIID; N-ACETYLGLUCOSAMINE-6-SULFATASE DEFICIENCY. Identifiers: Orphanet 581, Orphanet 79272, MedGen C0086650, MONDO:0009658, OMIM 252940.

Submission:

Labcorp Genetics (formerly Invitae), Labcorp
Classification: Pathogenic for Mucopolysaccharidosis, MPS-III-D. Last evaluated: 2021-10-12. Review status: criteria provided, single submitter. Criteria: Invitae Variant Classification Sherloc (09022015). Collection method: clinical testing. Allele origin: germline.
Comment: This sequence change creates a premature translational stop signal (p.Glu176*) in the GNS gene. It is expected to result in an absent or disrupted protein product. Loss-of-function variants in GNS are known to be pathogenic (PMID: 20232353). This variant is not present in population databases (ExAC no frequency). This variant has not been reported in the literature in individuals affected with GNS-related conditions. Algorithms developed to predict the effect of sequence changes on RNA splicing suggest that this variant may disrupt the consensus splice site. For these reasons, this variant has been classified as Pathogenic.

Literature cited by the submitters: PubMed 20232353.

NM_002076.4(GNS):c.526G>T (p.Glu176Ter)

Gene: GNS (glucosamine (N-acetyl)-6-sulfatase; minus strand). Cytogenetic location: 12q14.3.
Variant type: single nucleotide variant.
Coding change: c.526G>T on transcript NM_002076.4 (MANE Select); coding-DNA position 526, G replaced by T.
Protein change: p.Glu176Ter; replaces glutamic acid 176 with a stop codon.
Molecular consequence: nonsense.
Genome position (GRCh38, 1-based): chr12:64,744,907, C>A on the plus strand (G>T on the coding strand, the complement: GNS is on the minus strand). VCF-style: chr12-64744907-C-A. GRCh37 (hg19) VCF-style: chr12-65138687-C-A.
Other names: short protein forms E176*.
Identifiers: ClinVar variation 1358146 (VCV001358146.6), dbSNP rs2136248430, ClinGen allele CA385609634.